The following is an entry in ClinVar:

NM_005257.6(GATA6):c.775G>A (p.Val259Ile)

Gene: GATA6 (GATA binding protein 6; plus strand). Cytogenetic location: 18q11.2.
Variant type: single nucleotide variant.
Coding change: c.775G>A on transcript NM_005257.6 (MANE Select); coding-DNA position 775, G replaced by A.
Protein change: p.Val259Ile; replaces valine 259 with isoleucine.
Molecular consequence: missense variant.
Genome position (GRCh38, 1-based): chr18:22,171,919, G>A. VCF-style: chr18-22171919-G-A. GRCh37 (hg19) VCF-style: chr18-19751880-G-A.
Other names: c.775G>A (NM_005257.3, NM_005257.4); short protein forms V259I.
Identifiers: ClinVar variation 540130 (VCV000540130.35), dbSNP rs911752926, ClinGen allele CA297147923.

ClinVar aggregate classification (germline): Conflicting classifications of pathogenicity. Review status: criteria provided, conflicting classifications (1 of 4 stars). 5 submissions from 5 submitters: Uncertain significance (3); Likely benign (2). Last evaluated 2025-08-14.

Conditions:
Inborn genetic diseases. Identifiers: MedGen C0950123, MeSH D030342.
Atrioventricular septal defect 5 (AVSD5). Identifiers: MedGen C3280939, MONDO:0013769, OMIM 614474.

Allele frequency attached by ClinVar (database versions not stated): gnomAD 0.00005 and 0.00011; TOPMed 0.00006; 1000 Genomes Project 30x 0.00016.
gnomAD v4.1: 78 of 1,175,990 alleles (0.0066%); highest among the groups gnomAD compares: South Asian, 0.15%; 2 homozygotes.

Submissions (5):

GeneDx
Classification: Uncertain significance. Last evaluated: 2025-08-14. Review status: criteria provided, single submitter. Criteria: GeneDx Variant Classification Process June 2021. Collection method: clinical testing. Allele origin: germline. Affected: yes.
Comment: Not observed at significant frequency in large population cohorts (gnomAD); In silico analysis suggests that this missense variant does not alter protein structure/function; Identified in a cohort of patients with congenital heart disease (CHD) in published literature (PMID: 34493817); This variant is associated with the following publications: (PMID: 36525927, 34493817)

Labcorp Genetics (formerly Invitae), Labcorp
Classification: Uncertain significance for Atrioventricular septal defect 5. Last evaluated: 2025-02-04. Review status: criteria provided, single submitter. Criteria: Invitae Variant Classification Sherloc (09022015). Collection method: clinical testing. Allele origin: germline.
Comment: This sequence change replaces valine, which is neutral and non-polar, with isoleucine, which is neutral and non-polar, at codon 259 of the GATA6 protein (p.Val259Ile). The frequency data for this variant in the population databases is considered unreliable, as metrics indicate insufficient coverage at this position in the gnomAD database. This missense change has been observed in individual(s) with congenital heart disease (PMID: 34493817, 36525927). ClinVar contains an entry for this variant (Variation ID: 540130). Invitae Evidence Modeling of protein sequence and biophysical properties (such as structural, functional, and spatial information, amino acid conservation, physicochemical variation, residue mobility, and thermodynamic stability) indicates that this missense variant is not expected to disrupt GATA6 protein function with a negative predictive value of 80%. In summary, the available evidence is currently insufficient to determine the role of this variant in disease. Therefore, it has been classified as a Variant of Uncertain Significance.

CeGaT Center for Human Genetics Tuebingen
Classification: Likely benign. Last evaluated: 2024-12-01. Review status: criteria provided, single submitter. Criteria: CeGaT Center For Human Genetics Tuebingen Variant Classification Criteria Version 2. Collection method: clinical testing. Allele origin: germline. Affected: yes. Observed: 2 variant alleles.
Comment: GATA6: PP3, BS1

Blueprint Genetics
Classification: Likely benign. Last evaluated: 2024-09-24. Review status: criteria provided, single submitter. Criteria: ACMG Guidelines, 2015. Collection method: clinical testing. Allele origin: germline.

Ambry Genetics
Classification: Uncertain significance for Inborn genetic diseases. Last evaluated: 2021-01-13. Review status: criteria provided, single submitter. Criteria: Ambry Variant Classification Scheme 2023. Collection method: clinical testing. Allele origin: germline.

Literature cited by the submitters: PubMed 34493817 (cited by Labcorp Genetics (formerly Invitae), Labcorp); PubMed 36525927 (cited by Labcorp Genetics (formerly Invitae), Labcorp).